The following continues an entry in ClinVar:

NM_000520.6(HEXA):c.1073+1G>A

Gene: HEXA. ClinVar aggregate classification (germline): Pathogenic/Likely pathogenic. Pathogenic (23); Likely pathogenic (1).

Submissions 27 to 32 of 32:

Dr. Peter K. Rogan Lab, Western University
No classification provided (evidence only). Condition: Clear cell carcinoma of kidney. Review status: no classification provided. Collection method: in vitro. Allele origin: not applicable. Functional consequence: retained intron. Not counted in ClinVar's aggregate classification.

Dr. Peter K. Rogan Lab, Western University
No classification provided (evidence only). Condition: Lung cancer. Review status: no classification provided. Collection method: in vitro. Allele origin: not applicable. Functional consequence: retained intron. Not counted in ClinVar's aggregate classification.

Dr. Peter K. Rogan Lab, Western University
No classification provided (evidence only). Condition: Familial cancer of breast. Review status: no classification provided. Collection method: in vitro. Allele origin: not applicable. Functional consequence: retained intron. Not counted in ClinVar's aggregate classification.

Dr. Peter K. Rogan Lab, Western University
No classification provided (evidence only). Condition: Acute myeloid leukemia. Review status: no classification provided. Collection method: in vitro. Allele origin: not applicable. Functional consequence: retained intron. Not counted in ClinVar's aggregate classification.

Dr. Peter K. Rogan Lab, Western University
No classification provided (evidence only). Condition: Thyroid cancer, nonmedullary, 1. Review status: no classification provided. Collection method: in vitro. Allele origin: not applicable. Functional consequence: retained intron. Not counted in ClinVar's aggregate classification.

MutSpliceDB: a database of splice sites variants effects on splicing, NIH
No classification provided (evidence only). Review status: no classification provided. Collection method: in vivo. Allele origin: not applicable. Functional consequence: retained intron. Not counted in ClinVar's aggregate classification.

Literature cited by the submitters: PubMed 16199547 (cited by Labcorp Genetics (formerly Invitae), Labcorp); PubMed 1833974 (cited by Labcorp Genetics (formerly Invitae), Labcorp); PubMed 8490625 (cited by 3 submitters); PubMed 1387685 (cited by 6 submitters); PubMed 19858779 (cited by Labcorp Genetics (formerly Invitae), Labcorp and Illumina Laboratory Services, Illumina); PubMed 33426165 (cited by 3 submitters); PubMed 1307230 (cited by 5 submitters); PubMed 8444467 (cited by 7 submitters); PubMed 31076878 (cited by Dasa); PubMed 25557439 (cited by Natera, Inc.); PubMed 7858168 (cited by Natera, Inc.); PubMed 17237499 (cited by Quest Diagnostics Nichols Institute San Juan Capistrano); PubMed 1837283 (cited by 5 submitters); PubMed 1301938 (cited by 5 submitters); PubMed 22789865 (cited by 3 submitters); PubMed 17015493 (cited by Myriad Genetics, Inc.); PubMed 8326491 (cited by Illumina Laboratory Services, Illumina and OMIM); PubMed 21228398 (cited by Women's Health and Genetics/Laboratory Corporation of America, LabCorp and Baylor Genetics); PubMed 26633545 (cited by Baylor Genetics); PubMed 22975760 (cited by Baylor Genetics); PubMed 22344438 (cited by Baylor Genetics); PubMed 1384323 (cited by OMIM).